The following is an entry in ClinVar:

ClinVar aggregate classification (germline): Conflicting classifications of pathogenicity. Review status: criteria provided, conflicting classifications (1 of 4 stars). 10 submissions from 10 submitters: Uncertain significance (9); Benign (1). Last evaluated 2026-06-03.

Conditions:
Carcinoma of pancreas. Also called: Pancreatic carcinoma, somatic; Pancreatic cancer, somatic; PANCREATIC ACINAR CARCINOMA; PANCREATIC CARCINOMA; Exocrine pancreatic carcinoma. Identifiers: Orphanet 1333, Orphanet 217074, MedGen C0235974, MONDO:0005192. Disease mechanism: loss of function.
Peutz-Jeghers syndrome (PJS). Also called: Peutz-Jeghers polyposis; Periorificial lentiginosis syndrome; POLYPOSIS, HAMARTOMATOUS INTESTINAL; POLYPS-AND-SPOTS SYNDROME. Identifiers: Orphanet 2869, MedGen C0031269, MeSH D010580, MONDO:0008280, OMIM 175200.
Malignant tumor of testis. Also called: Testicular cancer. Identifiers: MedGen C0153594, MONDO:0005447.
Hereditary cancer-predisposing syndrome. Also called: Neoplastic Syndromes, Hereditary; Hereditary Cancer Syndrome; Tumor predisposition; Hereditary neoplastic syndrome. Identifiers: Orphanet 140162, MedGen C0027672, MeSH D009386, MONDO:0015356.
Melanoma, cutaneous malignant, susceptibility to, 1 (CMM1). Also called: MELANOMA, MALIGNANT; FAMILIAL ATYPICAL MOLE-MALIGNANT MELANOMA SYNDROME; DYSPLASTIC NEVUS SYNDROME, HEREDITARY; B-K MOLE SYNDROME. Identifiers: Orphanet 618, MedGen C1835047, MONDO:0007963, OMIM 155600.

Submissions (10):

Ambry Genetics
Classification: Uncertain significance for Hereditary cancer-predisposing syndrome. Last evaluated: 2026-06-03. Review status: criteria provided, single submitter. Criteria: Ambry Variant Classification Scheme 2023. Collection method: clinical testing. Allele origin: germline.
Comment: The p.R415G variant (also known as c.1243C>G), located in coding exon 9 of the STK11 gene, results from a C to G substitution at nucleotide position 1243. The arginine at codon 415 is replaced by glycine, an amino acid with dissimilar properties. This amino acid position is highly conserved in available vertebrate species. In addition, this alteration is predicted to be tolerated by in silico analysis. Based on the available evidence, the clinical significance of this variant remains unclear.

Labcorp Genetics (formerly Invitae), Labcorp
Classification: Benign for Peutz-Jeghers syndrome. Last evaluated: 2025-12-28. Review status: criteria provided, single submitter. Criteria: Invitae Variant Classification Sherloc (09022015). Collection method: clinical testing. Allele origin: germline.

Quest Diagnostics Nichols Institute San Juan Capistrano
Classification: Uncertain significance. Last evaluated: 2025-09-26. Review status: criteria provided, single submitter. Criteria: Quest Diagnostics criteria. Collection method: clinical testing. Allele origin: unknown.
Comment: The STK11 c.1243C>G (p.Arg415Gly) variant has not been reported in individuals with STK11-related conditions in the published literature. This variant has not been reported in large, multi-ethnic general populations (Genome Aggregation Database). Analysis of this variant using bioinformatics tools for the prediction of the effect of amino acid changes on protein structure and function yielded predictions that this variant is damaging. Based on the available information, we are unable to determine the clinical significance of this variant.

GeneDx
Classification: Uncertain significance. Last evaluated: 2024-11-21. Review status: criteria provided, single submitter. Criteria: GeneDx Variant Classification Process June 2021. Collection method: clinical testing. Allele origin: germline. Affected: yes.
Comment: Not observed at significant frequency in large population cohorts (gnomAD); In silico analysis indicates that this missense variant does not alter protein structure/function; Has not been previously published as pathogenic or benign to our knowledge; This variant is associated with the following publications: (PMID: 28900777)

Department of Pathology and Laboratory Medicine, Sinai Health System
Classification: Uncertain significance for Peutz-Jeghers syndrome. Last evaluated: 2024-04-22. Review status: criteria provided, single submitter. Criteria: ACMG Guidelines, 2015. Collection method: clinical testing. Allele origin: germline. Affected: yes.

Color Diagnostics, LLC DBA Color Health
Classification: Uncertain significance for Hereditary cancer-predisposing syndrome. Last evaluated: 2024-03-06. Review status: criteria provided, single submitter. Criteria: ACMG Guidelines, 2015. Collection method: clinical testing. Allele origin: germline.
Comment: This missense variant replaces arginine with glycine at codon 415 of the STK11 protein. Computational prediction suggests that this variant may not impact protein structure and function (internally defined REVEL score threshold <= 0.5, PMID: 27666373). To our knowledge, functional studies have not been reported for this variant. This variant has not been reported in individuals affected with hereditary cancer in the literature. This variant has not been identified in the general population by the Genome Aggregation Database (gnomAD). The available evidence is insufficient to determine the role of this variant in disease conclusively. Therefore, this variant is classified as a Variant of Uncertain Significance.

All of Us Research Program, National Institutes of Health
Classification: Uncertain significance for Peutz-Jeghers syndrome. Last evaluated: 2023-12-18. Review status: criteria provided, single submitter. Criteria: ACMG Guidelines, 2015. Collection method: clinical testing. Allele origin: germline. Inheritance: Autosomal dominant inheritance. Observed: 4 variant alleles, 4 heterozygotes.
Comment: This missense variant replaces arginine with glycine at codon 415 of the STK11 protein. Computational prediction suggests that this variant may not impact protein structure and function (internally defined REVEL score threshold <= 0.5, PMID: 27666373). To our knowledge, functional studies have not been reported for this variant. This variant has not been reported in individuals affected with hereditary cancer in the literature. This variant has not been identified in the general population by the Genome Aggregation Database (gnomAD). The available evidence is insufficient to determine the role of this variant in disease conclusively. Therefore, this variant is classified as a Variant of Uncertain Significance.

This study involves interpretation of variants in research participants for the purpose of population health screening. Participant phenotype was not available at the time of variant classification. Additional details can be found in publication PMID: 35346344, PMCID: PMC8962531

Baylor Genetics
Classification: Uncertain significance for Melanoma, cutaneous malignant, susceptibility to, 1. Last evaluated: 2023-09-21. Review status: criteria provided, single submitter. Criteria: ACMG Guidelines, 2015. Collection method: clinical testing. Allele origin: unknown.

Genome-Nilou Lab
Classification: Uncertain significance for Peutz-Jeghers syndrome. Last evaluated: 2021-07-15. Review status: criteria provided, single submitter. Criteria: ACMG Guidelines, 2015. Collection method: clinical testing. Allele origin: germline. Affected: no.

Fulgent Genetics
Classification: Uncertain significance for Peutz-Jeghers syndrome; Familial pancreatic carcinoma; Germ cell tumor of testis. Last evaluated: 2018-10-31. Review status: criteria provided, single submitter. Criteria: ACMG Guidelines, 2015. Collection method: clinical testing. Allele origin: unknown.

NM_000455.5(STK11):c.1243C>G (p.Arg415Gly)

Gene: STK11 (serine/threonine kinase 11; plus strand). Cytogenetic location: 19p13.3.
Variant type: single nucleotide variant.
Coding change: c.1243C>G on transcript NM_000455.5 (MANE Select); coding-DNA position 1243, C replaced by G.
Protein change: p.Arg415Gly; replaces arginine 415 with glycine.
Molecular consequence: missense variant.
Genome position (GRCh38, 1-based): chr19:1,226,588, C>G. VCF-style: chr19-1226588-C-G. GRCh37 (hg19) VCF-style: chr19-1226587-C-G.
Other names: short protein forms R415G.
Identifiers: ClinVar variation 220264 (VCV000220264.36), dbSNP rs864622448, ClinGen allele CA350119.
Genomic context (GRCh38, chr19:1,226,588, plus strand): 5'-ACAGAGGCGGCGCAGCTGAGCACCAAATCCAGGGCGGAGGGCCGGGCCCCCAACCCTGCC[C>G]GCAAGGCCTGCTCCGCCAGCAGCAAGATCCGCCGGCTGTCGGCCTGCAAGCAGCAGTGAG-3'
Protein context (NP_000446.1, residues 405-425): RAEGRAPNPA[Arg415Gly]KACSASSKIR